The following is an entry in ClinVar:

ClinVar aggregate classification (germline): Pathogenic (0 of 4 stars; one submission).

Conditions:
SeSAME-like syndrome.

Submission:

Wang Lab, Institute of Neuroscience, Xiamen university
Classification: Pathogenic for SeSAME-like syndrome. Review status: no assertion criteria provided. Collection method: clinical testing. Allele origin: germline. Inheritance: Autosomal recessive inheritance. Affected: yes. Observed: 2 variant alleles, 2 compound heterozygotes. Clinical features observed: fine motor delay, Bilateral tonic-clonic seizure (HP:0002069).
Comment: We identified two siblings presenting with seizures and motor delays in one outbred kindred. Customized targeted-exome sequencing showed that both affected siblings are compound heterozygous for two KCNJ10 missense mutations (NM_002241.4: c.601G>A: p.A201T and c.626T>C: p.I209T). Prediction tools suggested that both amino acid substitutions were deleterious or disease causing. Further functional studies showed that Chinese hamster ovary (CHO) cells expressing either A201T and/or I209T Kir4.1 channels exhibited lower K+ currents, indicating compromised Kir4.1 biological function. Intriguingly, the A201T but not the I209T mutation decreased total and cell surface Kir4.1 levels. Kir4.1 channels with the A201T mutation were unstable and degraded through lysosomal pathway. In conclusion, these data indicated that both A201T and I209T mutations disrupt Kir4.1 activity and are the cause of SeSAME/EAST-like syndrome in the siblings.

NM_002241.5(KCNJ10):c.601G>A (p.Ala201Thr)

Gene: KCNJ10 (potassium inwardly rectifying channel subfamily J member 10; minus strand). Cytogenetic location: 1q23.2.
Variant type: single nucleotide variant.
Coding change: c.601G>A on transcript NM_002241.5 (MANE Select); coding-DNA position 601, G replaced by A.
Protein change: p.Ala201Thr; replaces alanine 201 with threonine.
Molecular consequence: missense variant.
Genome position (GRCh38, 1-based): chr1:160,041,932, C>T on the plus strand (G>A on the coding strand, the complement: KCNJ10 is on the minus strand). VCF-style: chr1-160041932-C-T. GRCh37 (hg19) VCF-style: chr1-160011722-C-T.
Other names: short protein forms A201T.
Identifiers: ClinVar variation 692217 (VCV000692217.3), dbSNP rs1571265496, ClinGen allele CA343226282.